The following is an entry in ClinVar:

ClinVar aggregate classification (germline): Uncertain significance. Review status: criteria provided, multiple submitters, no conflicts (2 of 4 stars). 3 submissions from 3 submitters: Uncertain significance (2). 1 of the submissions does not count toward it. Last evaluated 2021-10-28.

Conditions:
IFT140-related disorder. Also called: IFT140-related condition.
Saldino-Mainzer syndrome (SRTD9). Also called: CONORENAL SYNDROME; Renal dysplasia, retinal pigmentary dystrophy, cerebellar ataxia and skeletal dysplasia; SHORT-RIB THORACIC DYSPLASIA 9 WITHOUT POLYDACTYLY; short-rib thoracic dysplasia 9 with or without polydactyly. Identifiers: Orphanet 140969, MedGen C1849437, MONDO:0009964, OMIM 266920.
Retinitis pigmentosa 80 (RP80). Identifiers: MedGen C4540439, MONDO:0054708, OMIM 617781.

Allele frequency attached by ClinVar (database versions not stated): gnomAD exomes below 0.00001 and 0.00001; TOPMed 0.00001; ExAC 0.00002.
gnomAD v4.1: 3 of 1,613,868 alleles (0.00019%); highest among the groups gnomAD compares: East Asian, 0.0022%; no homozygotes.

Submissions (3):

Fulgent Genetics
Classification: Uncertain significance for Saldino-Mainzer syndrome; Retinitis pigmentosa 80. Last evaluated: 2021-10-28. Review status: criteria provided, single submitter. Criteria: ACMG Guidelines, 2015. Collection method: clinical testing. Allele origin: unknown.

Labcorp Genetics (formerly Invitae), Labcorp
Classification: Uncertain significance for Saldino-Mainzer syndrome. Last evaluated: 2020-11-28. Review status: criteria provided, single submitter. Criteria: Invitae Variant Classification Sherloc (09022015). Collection method: clinical testing. Allele origin: germline.
Comment: This sequence change replaces threonine with methionine at codon 434 of the IFT140 protein (p.Thr434Met). The threonine residue is moderately conserved and there is a moderate physicochemical difference between threonine and methionine. This variant is present in population databases (rs762293142, ExAC 0.01%). This variant has not been reported in the literature in individuals with IFT140-related conditions. Algorithms developed to predict the effect of missense changes on protein structure and function are either unavailable or do not agree on the potential impact of this missense change (SIFT: "Deleterious"; PolyPhen-2: "Benign"; Align-GVGD: "Class C15"). In summary, the available evidence is currently insufficient to determine the role of this variant in disease. Therefore, it has been classified as a Variant of Uncertain Significance.

PreventionGenetics, part of Exact Sciences
Classification: Uncertain significance for IFT140-related condition. Last evaluated: 2024-04-30. Review status: no assertion criteria provided. Collection method: clinical testing. Allele origin: germline. Not counted in ClinVar's aggregate classification.
Comment: The IFT140 c.1301C>T variant is predicted to result in the amino acid substitution p.Thr434Met. This variant was reported in an individual with retinal degeneration (Table S2, Zampaglione et al 2020. PubMed ID: 32037395). This variant is reported in 0.0054% of alleles in individuals of East Asian descent in gnomAD. At this time, the clinical significance of this variant is uncertain due to the absence of conclusive functional and genetic evidence.

NM_014714.4(IFT140):c.1301C>T (p.Thr434Met)

Genes: IFT140 (intraflagellar transport 140; minus strand), LOC105371046 (uncharacterized LOC105371046; plus strand). Cytogenetic location: 16p13.3.
Variant type: single nucleotide variant.
Coding change: c.1301C>T on transcript NM_014714.4 (MANE Select); coding-DNA position 1301, C replaced by T.
Protein change: p.Thr434Met; replaces threonine 434 with methionine.
Molecular consequence: missense variant.
Genome position (GRCh38, 1-based): chr16:1,584,275, G>A on the plus strand (C>T on the coding strand, the complement: IFT140 is on the minus strand). VCF-style: chr16-1584275-G-A. GRCh37 (hg19) VCF-style: chr16-1634276-G-A.
Other names: c.1301C>T (NM_014714.3); short protein forms T434M.
Identifiers: ClinVar variation 1406373 (VCV001406373.10), dbSNP rs762293142, ClinGen allele CA7814377.